The following is an entry in ClinVar:

NM_004341.5(CAD):c.5182del (p.Leu1728fs)

Gene: CAD (carbamoyl-phosphate synthetase 2, aspartate transcarbamylase, and dihydroorotase; plus strand). Cytogenetic location: 2p23.3.
Variant type: Deletion.
Coding change: c.5182del on transcript NM_004341.5 (MANE Select); coding-DNA position 5182, one base deleted (C; older notation c.5182delC).
Protein change: p.Leu1728fs; shifts the reading frame from leucine 1728.
Molecular consequence: frameshift variant.
Genome position (GRCh38, 1-based): chr2:27,239,161, C deleted; the last of 2 consecutive C bases (chr2:27,239,160-27,239,161); deleting either gives the same sequence. VCF-style (leftmost placement, unchanged base first): chr2-27239159-AC-A. GRCh37 (hg19) VCF-style: chr2-27462027-AC-A.
Other names: c.4993del, p.Leu1665fs (NM_001306079.2); short protein forms L1665fs, L1728fs.
Identifiers: ClinVar variation 4850796 (VCV004850796.1).

ClinVar aggregate classification (germline): Likely pathogenic (1 of 4 stars; one submission).

Conditions:
Developmental and epileptic encephalopathy, 50 (DEE50). Also called: Epileptic encephalopathy, early infantile, 50. Identifiers: Orphanet 448010, MedGen C4225320, MONDO:0014647, OMIM 616457.

Submission:

Variantyx, Inc.
Classification: Likely pathogenic for Developmental and epileptic encephalopathy, 50. Last evaluated: 2025-06-04. Review status: criteria provided, single submitter. Criteria: Variantyx Assertion Criteria 2022. Collection method: clinical testing. Allele origin: germline. Inheritance: Autosomal recessive inheritance.
Comment: This is a frameshift variant in the CAD gene (OMIM: 114010). Pathogenic variants in this gene have been associated with autosomal recessive developmental and epileptic encephalopathy 50. This variant introduces a premature termination codon in exon 32 out of 44 and is expected to result in loss of function, which is a known disease mechanism for CAD in this disorder (PMID: 28007989, 32117025, 32820246, 33497533) (PVS1). This variant is absent from control populations (PM2). Based on the current evidence, this variant is classified as likely pathogenic for autosomal recessive developmental and epileptic encephalopathy 50.

Literature cited by the submitters: PubMed 28007989; PubMed 32117025; PubMed 32820246; PubMed 33497533.